The following is an entry in ClinVar:

ClinVar aggregate classification (germline): Uncertain significance (1 of 4 stars; one submission).

Submission:

Labcorp Genetics (formerly Invitae), Labcorp
Classification: Uncertain significance. Last evaluated: 2024-05-01. Review status: criteria provided, single submitter. Criteria: Invitae Variant Classification Sherloc (09022015). Collection method: clinical testing. Allele origin: germline.
Comment: This sequence change replaces leucine, which is neutral and non-polar, with phenylalanine, which is neutral and non-polar, at codon 222 of the TRPV6 protein (p.Leu222Phe). This variant is not present in population databases (gnomAD no frequency). This variant has not been reported in the literature in individuals affected with TRPV6-related conditions. Experimental studies and prediction algorithms are not available or were not evaluated, and the functional significance of this variant is currently unknown. In summary, the available evidence is currently insufficient to determine the role of this variant in disease. Therefore, it has been classified as a Variant of Uncertain Significance.

NM_018646.6(TRPV6):c.664C>T (p.Leu222Phe)

Gene: TRPV6 (transient receptor potential cation channel subfamily V member 6; minus strand). Cytogenetic location: 7q34.
Variant type: single nucleotide variant.
Coding change: c.664C>T on transcript NM_018646.6 (MANE Select); coding-DNA position 664, C replaced by T.
Protein change: p.Leu222Phe; replaces leucine 222 with phenylalanine.
Molecular consequence: missense variant.
Genome position (GRCh38, 1-based): chr7:142,876,781, G>A on the plus strand (C>T on the coding strand, the complement: TRPV6 is on the minus strand). VCF-style: chr7-142876781-G-A. GRCh37 (hg19) VCF-style: chr7-142574534-G-A.
Other names: short protein forms L222F.
Identifiers: ClinVar variation 3712295 (VCV003712295.2).
Genomic context (GRCh38, chr7:142,876,781, plus strand): 5'-CCCCATCTCAGCTCTTACCCAGGGAGTCCTGGGCCCGGATGTCAGCTCCATGCTCAATGA[G>A]CAGCCGCACGATCTCCTCACTGTTCACACAGGCAGCAAAGGACAAAGGGTGCTCCCCTGT-3'
Protein context (NP_061116.5, residues 212-232): CVNSEEIVRL[Leu222Phe]IEHGADIRAQ